The following is an entry in ClinVar:

ClinVar aggregate classification (germline): Uncertain significance (1 of 4 stars; one submission).

Conditions:
Familial adenomatous polyposis 1 (FAP1). Also called: POLYPOSIS, ADENOMATOUS INTESTINAL; FAMILIAL ADENOMATOUS POLYPOSIS 1, ATTENUATED. Identifiers: MedGen C2713442, MONDO:0021056, OMIM 175100. Disease mechanism: loss of function.

Submission:

Labcorp Genetics (formerly Invitae), Labcorp
Classification: Uncertain significance for Familial adenomatous polyposis 1. Last evaluated: 2022-08-23. Review status: criteria provided, single submitter. Criteria: Invitae Variant Classification Sherloc (09022015). Collection method: clinical testing. Allele origin: germline.
Comment: In summary, the available evidence is currently insufficient to determine the role of this variant in disease. Therefore, it has been classified as a Variant of Uncertain Significance. Experimental studies and prediction algorithms are not available or were not evaluated, and the functional significance of this variant is currently unknown. This variant has not been reported in the literature in individuals affected with APC-related conditions. This variant is not present in population databases (gnomAD no frequency). This variant occurs in a non-coding region of the APC gene. It does not change the encoded amino acid sequence of the APC protein.

NC_000005.10:g.112707430A>T

Gene: APC (APC regulator of Wnt signaling pathway; plus strand). Cytogenetic location: 5q22.2.
Variant type: single nucleotide variant.
Genome position: GRCh38 VCF-style: chr5-112707430-A-T. GRCh37 (hg19) VCF-style: chr5-112043127-A-T.
Identifiers: ClinVar variation 2128799 (VCV002128799.5), dbSNP rs2149628674, ClinGen allele CA2580072243.